The following is an entry in ClinVar:

NM_144672.4(OTOA):c.875A>G (p.Lys292Arg)

Gene: OTOA (otoancorin). Cytogenetic location: 16p12.2.
Variant type: single nucleotide variant.
Coding change: c.875A>G on transcript NM_144672.4 (MANE Select); coding-DNA position 875, A replaced by G.
Protein change: p.Lys292Arg; replaces lysine 292 with arginine.
Molecular consequence: missense variant.
Genome position (GRCh38, 1-based): chr16:21,700,922, A>G. VCF-style: chr16-21700922-A-G. GRCh37 (hg19) VCF-style: chr16-21712243-A-G.
Other names: c.638A>G, p.Lys213Arg (NM_001161683.2); c.875A>G (NM_144672.3); short protein forms K292R, K213R.
Identifiers: ClinVar variation 2445653 (VCV002445653.3), dbSNP rs368330662, ClinGen allele CA7952454.

ClinVar aggregate classification (germline): Conflicting classifications of pathogenicity. Review status: criteria provided, conflicting classifications (1 of 4 stars). 3 submissions from 3 submitters: Likely pathogenic (1); Uncertain significance (2). Last evaluated 2026-09-21.

Conditions:
Autosomal recessive nonsyndromic hearing loss 22. Identifiers: Orphanet 90636, MedGen C1846896, MONDO:0011762, OMIM 607039.
OTOA-related disorder. Also called: OTOA-related condition.

Allele frequency attached by ClinVar (database versions not stated): ExAC 0.00001; gnomAD 0.00001; TOPMed 0.00002; ESP Exome Variant Server 0.00008.
gnomAD v4.1: 13 of 1,613,902 alleles (0.00081%); highest among the groups gnomAD compares: South Asian, 0.0011%; no homozygotes.

Submissions (3):

PreventionGenetics, part of Exact Sciences
Classification: Uncertain significance for OTOA-related condition. Last evaluated: 2026-09-21. Review status: criteria provided, single submitter. Criteria: ACMG Guidelines, 2015. Collection method: clinical testing. Allele origin: germline.
Comment: The OTOA c.875A>G variant is predicted to result in the amino acid substitution p.Lys292Arg. This variant was reported in compound heterozygous state with whole gene deletion in an individual with hearing loss (eTable 7, Carlson et al. 2023. PubMed ID: 36633841; see ClinVar Variation ID: 2445653 for more details). This variant is reported in 0.00088% of alleles in individuals of European (Non-Finnish) descent in gnomAD. Although we suspect that this variant may be pathogenic, at this time, the clinical significance of this variant is uncertain due to the absence of conclusive functional and genetic evidence.

Blueprint Genetics
Classification: Uncertain significance. Last evaluated: 2024-05-23. Review status: criteria provided, single submitter. Criteria: ACMG Guidelines, 2015. Collection method: clinical testing. Allele origin: germline.

King Laboratory, University of Washington
Classification: Likely pathogenic for Autosomal recessive nonsyndromic hearing loss 22. Last evaluated: 2023-02-28. Review status: criteria provided, single submitter. Criteria: Li et al. (Genet Med. 2022). Collection method: research. Allele origin: unknown. Affected: yes.
Comment: This variant occurred in compound heterozygosity with an OTOA full gene deletion in a patient with bilateral sensorineural hearing loss of onset <18 years, in a study of pediatric hearing loss conducted by the King Laboratory (Carlson RJ et al. JAMA-OtoHNS 2023). This patient’s family has no other history of hearing loss. This variant is a missense at a completely conserved site and is predicted to be damaging by multiple in-silico tools. As of January 2023, this variant has not been reported to ClinVar and is found in 1 heterozygote on gnomAD. Based on consistently predicted functional effect, compound heterozygosity with a loss-of-function variant, and goodness of fit of genotype to phenotype, we conclude that this variant is likely pathogenic.

Literature cited by the submitters: PubMed 36633841 (cited by King Laboratory, University of Washington).